The following is an entry in ClinVar:

NM_014000.3(VCL):c.1345C>T (p.Arg449Ter)

Gene: VCL (vinculin; plus strand). Cytogenetic location: 10q22.2.
Variant type: single nucleotide variant.
Coding change: c.1345C>T on transcript NM_014000.3 (MANE Select); coding-DNA position 1345, C replaced by T.
Protein change: p.Arg449Ter; replaces arginine 449 with a stop codon.
Molecular consequence: nonsense.
Genome position (GRCh38, 1-based): chr10:74,090,191, C>T. VCF-style: chr10-74090191-C-T. GRCh37 (hg19) VCF-style: chr10-75849949-C-T.
Other names: c.1345C>T, p.Arg449Ter (NM_003373.4); short protein forms R449*.
Identifiers: ClinVar variation 1770461 (VCV001770461.3), dbSNP rs1173871364, ClinGen allele CA377273415.

ClinVar aggregate classification (germline): Uncertain significance (1 of 4 stars; one submission).

Conditions:
Cardiovascular phenotype. Identifiers: MedGen CN230736.

Allele frequency attached by ClinVar (database versions not stated): TOPMed below 0.00001; gnomAD 0.00001.
gnomAD v4.1: 8 of 1,614,130 alleles (0.0005%); highest among the groups gnomAD compares: African/African-American, 0.0013%; no homozygotes.

Submission:

Ambry Genetics
Classification: Uncertain significance for Cardiovascular phenotype. Last evaluated: 2026-01-09. Review status: criteria provided, single submitter. Criteria: Ambry Variant Classification Scheme 2023. Collection method: clinical testing. Allele origin: germline.
Comment: The p.R449* variant (also known as c.1345C>T), located in coding exon 10 of the VCL gene, results from a C to T substitution at nucleotide position 1345. This changes the amino acid from an arginine to a stop codon within coding exon 10. This alteration is expected to result in protein truncation or nonsense-mediated mRNA decay. However, loss of function has not been established as a mechanism of disease. Based on the available evidence, the clinical significance of this alteration remains unclear.